The following is an entry in ClinVar:

ClinVar aggregate classification (germline): Uncertain significance (1 of 4 stars; one submission).

Allele frequency attached by ClinVar (database versions not stated): gnomAD exomes below 0.00001.
gnomAD v4.1: 1 of 1,613,974 alleles (0.000062%); highest among the groups gnomAD compares: Non-Finnish European, 0.000085%; no homozygotes.

Submission:

Labcorp Genetics (formerly Invitae), Labcorp
Classification: Uncertain significance. Last evaluated: 2024-08-19. Review status: criteria provided, single submitter. Criteria: Invitae Variant Classification Sherloc (09022015). Collection method: clinical testing. Allele origin: germline.
Comment: This sequence change replaces aspartic acid, which is acidic and polar, with glycine, which is neutral and non-polar, at codon 1729 of the COL11A1 protein (p.Asp1729Gly). This variant is not present in population databases (gnomAD no frequency). This variant has not been reported in the literature in individuals affected with COL11A1-related conditions. ClinVar contains an entry for this variant (Variation ID: 2042234). Invitae Evidence Modeling of protein sequence and biophysical properties (such as structural, functional, and spatial information, amino acid conservation, physicochemical variation, residue mobility, and thermodynamic stability) indicates that this missense variant is not expected to disrupt COL11A1 protein function with a negative predictive value of 95%. In summary, the available evidence is currently insufficient to determine the role of this variant in disease. Therefore, it has been classified as a Variant of Uncertain Significance.

NM_001854.4(COL11A1):c.5186A>G (p.Asp1729Gly)

Genes: COL11A1 (collagen type XI alpha 1 chain; minus strand), LOC126805814 (P300/CBP strongly-dependent group 1 enhancer GRCh37_chr1:103344928-103346127; plus strand). Cytogenetic location: 1p21.1.
Variant type: single nucleotide variant.
Coding change: c.5186A>G on transcript NM_001854.4 (MANE Select); coding-DNA position 5186, A replaced by G.
Protein change: p.Asp1729Gly; replaces aspartic acid 1729 with glycine.
Molecular consequence: missense variant. On other transcripts: non-coding transcript variant (1).
Genome position (GRCh38, 1-based): chr1:102,879,771, T>C on the plus strand (A>G on the coding strand, the complement: COL11A1 is on the minus strand). VCF-style: chr1-102879771-T-C. GRCh37 (hg19) VCF-style: chr1-103345327-T-C.
Other names: c.4838A>G, p.Asp1613Gly (NM_001168249.1, NM_080630.4); c.5069A>G, p.Asp1690Gly (NM_001190709.2); c.5222A>G, p.Asp1741Gly (NM_080629.3); short protein forms D1613G, D1741G, D1690G, D1729G.
Identifiers: ClinVar variation 2042234 (VCV002042234.4), dbSNP rs2524161572, ClinGen allele CA341210917.